The following is an entry in ClinVar:

ClinVar aggregate classification (germline): Pathogenic (1 of 4 stars; one submission).

Conditions:
Hypokalemic periodic paralysis, type 1. Also called: Hypokalemic Periodic Paralysis Type 1 (AD); HypoPP. Identifiers: Orphanet 681, MedGen C3714580, MONDO:0042979, OMIM 170400.
Malignant hyperthermia, susceptibility to, 5 (MHS5). Also called: CACNA1S-Related Malignant Hyperthermia Susceptibility. Identifiers: Orphanet 423, MedGen C1866077, MONDO:0011163, OMIM 601887.

Submission:

Labcorp Genetics (formerly Invitae), Labcorp
Classification: Pathogenic for Hypokalemic periodic paralysis, type 1; Malignant hyperthermia, susceptibility to, 5. Last evaluated: 2022-11-25. Review status: criteria provided, single submitter. Criteria: Invitae Variant Classification Sherloc (09022015). Collection method: clinical testing. Allele origin: germline.
Comment: This sequence change creates a premature translational stop signal (p.Leu1612Trpfs*22) in the CACNA1S gene. It is expected to result in an absent or disrupted protein product. Loss-of-function variants in CACNA1S are known to be pathogenic (PMID: 26247046, 28012042). For these reasons, this variant has been classified as Pathogenic. ClinVar contains an entry for this variant (Variation ID: 1452817). This variant has not been reported in the literature in individuals affected with CACNA1S-related conditions. This variant is not present in population databases (gnomAD no frequency).

Literature cited by the submitters: PubMed 26247046; PubMed 28012042.

NM_000069.3(CACNA1S):c.4834del (p.Leu1612fs)

Gene: CACNA1S (calcium voltage-gated channel subunit alpha1 S; minus strand). Cytogenetic location: 1q32.1.
Variant type: Deletion.
Coding change: c.4834del on transcript NM_000069.3 (MANE Select); coding-DNA position 4834, one base deleted (C; older notation c.4834delC).
Protein change: p.Leu1612fs; shifts the reading frame from leucine 1612.
Molecular consequence: frameshift variant.
Genome position (GRCh38, 1-based): chr1:201,043,495, G deleted on the plus strand (C on the coding strand, the reverse complement: CACNA1S is on the minus strand); the first of 2 consecutive G bases (chr1:201,043,495-201,043,496); deleting either gives the same sequence. VCF-style (leftmost placement, unchanged base first): chr1-201043494-AG-A. GRCh37 (hg19) VCF-style: chr1-201012622-AG-A.
Other names: short protein forms L1612fs.
Identifiers: ClinVar variation 1452817 (VCV001452817.6), dbSNP rs2102547896, ClinGen allele CA913187881.
Genomic context (GRCh38, chr1:201,043,494, plus strand): 5'-TCAGCAAACTGGAGGGGTCTCTGATTGGCCATGACGGGGGGCAGGGAGTTGGTCCTTTCC[AG>A]GAAGTTGTCCACCTGGCCAAACAGGCCTCCAGTCCTCTAGGGGCAAGGAGAAGAGCAGTG-3'